The following is an entry in ClinVar:

ClinVar aggregate classification (germline): Uncertain significance (1 of 4 stars; one submission).

Conditions:
Cardiovascular phenotype. Identifiers: MedGen CN230736.

Submission:

Ambry Genetics
Classification: Uncertain significance for Cardiovascular phenotype. Last evaluated: 2024-03-25. Review status: criteria provided, single submitter. Criteria: Ambry Variant Classification Scheme 2023. Collection method: clinical testing. Allele origin: germline.
Comment: The c.69963A>T variant (also known as p.G23321G), located in coding exon 175 of the TTN gene, results from an A to T substitution at nucleotide position 69963. This nucleotide substitution does not change the glycine at codon 23321. This nucleotide position is well conserved in available vertebrate species. In silico splice site analysis for this alteration is inconclusive. Based on the available evidence, the clinical significance of this alteration remains unclear.

NM_001267550.2(TTN):c.97158A>T (p.Gly32386=)

Genes: TTN (titin; minus strand), TTN-AS1 (TTN antisense RNA 1; plus strand). Cytogenetic location: 2q31.2.
Variant type: single nucleotide variant.
Coding change: c.97158A>T on transcript NM_001267550.2 (MANE Select); coding-DNA position 97158, A replaced by T.
Protein change: p.Gly32386=; no amino-acid change (glycine 32386 retained).
Molecular consequence: synonymous variant.
Genome position (GRCh38, 1-based): chr2:178,542,696, T>A on the plus strand (A>T on the coding strand, the complement: TTN is on the minus strand). VCF-style: chr2-178542696-T-A. GRCh37 (hg19) VCF-style: chr2-179407423-T-A.
Other names: c.92235A>T, p.Gly30745= (NM_001256850.1); c.69963A>T, p.Gly23321= (NM_003319.4); c.89454A>T, p.Gly29818= (NM_133378.4); c.70338A>T, p.Gly23446= (NM_133432.3); c.70539A>T, p.Gly23513= (NM_133437.4).
Identifiers: ClinVar variation 3330050 (VCV003330050.1).
Genomic context (GRCh38, chr2:178,542,696, plus strand): 5'-CTTGTATCTTTGTCACACATCCTTACCAAGAATGATAACTTTAATGGTTTCTGAAGTAGT[T>A]CCGGTAACATTCTTCAATTCAAGTGTGTATTCTCCAGTATCTCTGATAGTGGTTTCACGG-3'
Protein context (NP_001254479.2, residues 32376-32396): EYTLELKNVT[Gly32386=]TTSETIKVII